The following is an entry in ClinVar:

NM_000552.5(VWF):c.3167T>G (p.Val1056Gly)

Gene: VWF (von Willebrand factor; minus strand). Cytogenetic location: 12p13.31.
Variant type: single nucleotide variant.
Coding change: c.3167T>G on transcript NM_000552.5 (MANE Select); coding-DNA position 3167, T replaced by G.
Protein change: p.Val1056Gly; replaces valine 1056 with glycine.
Molecular consequence: missense variant.
Genome position (GRCh38, 1-based): chr12:6,025,635, A>C on the plus strand (T>G on the coding strand, the complement: VWF is on the minus strand). VCF-style: chr12-6025635-A-C. GRCh37 (hg19) VCF-style: chr12-6134801-A-C.
Other names: short protein forms V1056G.
Identifiers: ClinVar variation 1723535 (VCV001723535.3), dbSNP rs2497534164, ClinGen allele CA383513598.

ClinVar aggregate classification (germline): Uncertain significance (1 of 4 stars; one submission).

gnomAD v4.1: 2 of 1,574,740 alleles (0.00013%); highest among the groups gnomAD compares: Non-Finnish European, 0.00017%; no homozygotes.

Submission:

GeneDx
Classification: Uncertain significance. Last evaluated: 2024-07-03. Review status: criteria provided, single submitter. Criteria: GeneDx Variant Classification Process June 2021. Collection method: clinical testing. Allele origin: germline. Affected: yes.
Comment: Not observed at significant frequency in large population cohorts (gnomAD); In silico analysis indicates that this missense variant does not alter protein structure/function; Has not been previously published as pathogenic or benign to our knowledge